The following is an entry in ClinVar:

NM_000051.4(ATM):c.1915_1916insT (p.Asp639fs)

Gene: ATM (ATM serine/threonine kinase; plus strand). Cytogenetic location: 11q22.3.
Variant type: Insertion.
Coding change: c.1915_1916insT on transcript NM_000051.4 (MANE Select); coding-DNA positions 1915 to 1916, T inserted.
Protein change: p.Asp639fs; shifts the reading frame from aspartic acid 639.
Molecular consequence: frameshift variant.
Genome position: GRCh38 VCF-style: chr11-108253830-G-GT. GRCh37 (hg19) VCF-style: chr11-108124557-G-GT.
Other names: c.1915_1916insT, p.Asp639fs (NM_001351834.2); short protein forms D639fs.
Identifiers: ClinVar variation 407572 (VCV000407572.21), dbSNP rs1060501610, ClinGen allele CA16613347.

ClinVar aggregate classification (germline): Pathogenic/Likely pathogenic. Review status: criteria provided, multiple submitters, no conflicts (2 of 4 stars). 6 submissions from 6 submitters: Pathogenic (4); Likely pathogenic (2). Last evaluated 2025-07-31.

Conditions:
Familial cancer of breast. Also called: Hereditary breast cancer; hereditary breast carcinoma; BREAST CANCER, FAMILIAL. Identifiers: Orphanet 227535, MedGen C0346153, MONDO:0016419, OMIM 114480. Disease mechanism: loss of function.
Hereditary cancer-predisposing syndrome. Also called: Hereditary neoplastic syndrome; Neoplastic Syndromes, Hereditary; Tumor predisposition; Hereditary Cancer Syndrome. Identifiers: Orphanet 140162, MedGen C0027672, MeSH D009386, MONDO:0015356.
Ataxia-telangiectasia syndrome (AT). Also called: Ataxia telangiectasia (A-T); LOUIS-BAR SYNDROME; Cerebello-oculocutaneous telangiectasia; Immunodeficiency with ataxia telangiectasia; Ataxia-telangiectasia, complementation group D; AT, COMPLEMENTATION GROUP C. Identifiers: Orphanet 100, MedGen C0004135, MONDO:0008840, OMIM 208900.

Allele frequency attached by ClinVar (database versions not stated): gnomAD 0.00001.

Submissions (6):

Ambry Genetics
Classification: Pathogenic for Hereditary cancer-predisposing syndrome. Last evaluated: 2025-07-31. Review status: criteria provided, single submitter. Criteria: Ambry Variant Classification Scheme 2023. Collection method: clinical testing. Allele origin: germline.
Comment: The c.1915_1916insT pathogenic mutation, located in coding exon 12 of the ATM gene, results from an insertion of one nucleotide at position 1915, causing a translational frameshift with a predicted alternate stop codon (p.D639Vfs*2). This alteration is expected to result in loss of function by premature protein truncation or nonsense-mediated mRNA decay. As such, this alteration is interpreted as a disease-causing mutation.

Labcorp Genetics (formerly Invitae), Labcorp
Classification: Pathogenic for Ataxia-telangiectasia syndrome. Last evaluated: 2024-07-17. Review status: criteria provided, single submitter. Criteria: Invitae Variant Classification Sherloc (09022015). Collection method: clinical testing. Allele origin: germline.
Comment: This sequence change creates a premature translational stop signal (p.Asp639Valfs*2) in the ATM gene. It is expected to result in an absent or disrupted protein product. Loss-of-function variants in ATM are known to be pathogenic (PMID: 23807571, 25614872). This variant is present in population databases (no rsID available, gnomAD 0.01%). This variant has not been reported in the literature in individuals affected with ATM-related conditions. ClinVar contains an entry for this variant (Variation ID: 407572). For these reasons, this variant has been classified as Pathogenic.

Myriad Genetics, Inc.
Classification: Pathogenic for Familial cancer of breast. Last evaluated: 2024-01-16. Review status: criteria provided, single submitter. Criteria: Myriad Autosomal Dominant, Autosomal Recessive and X-Linked Classification Criteria (2023). Collection method: clinical testing. Allele origin: unknown.
Comment: This variant is considered pathogenic. This variant creates a frameshift predicted to result in premature protein truncation.

Baylor Genetics
Classification: Pathogenic for Familial cancer of breast. Last evaluated: 2024-01-13. Review status: criteria provided, single submitter. Criteria: ACMG Guidelines, 2015. Collection method: clinical testing. Allele origin: unknown.

Genetic Services Laboratory, University of Chicago
Classification: Likely pathogenic. Last evaluated: 2020-09-11. Review status: criteria provided, single submitter. Criteria: ACMG Guidelines, 2015. Collection method: clinical testing. Allele origin: germline. Affected: yes.
Comment: DNA sequence analysis of the ATM gene demonstrated a single base pair insertion in exon 13, c.1915_1916insT. This sequence change creates a frameshift resulting in a premature stop codon 1 amino acid residue downstream of the variant, p.Asp639Valfs*2. The p.Asp639Valfs*2 change is predicted to result in an absent or disrupted protein product. This sequence change has not previously been described in patients with ATM-related disorders and has been described in the gnomAD database in one individual with an overall frequency of 0.003% (dbSNP rs1060501610). While the p.Asp639Valfs*2 change has not previously been described in the literature, loss-of-function variants in the ATM gene are known to be pathogenic (PMIDs: 23807571, 25614872). These collective evidences suggest that this sequence change is a likely pathogenic sequence change, however functional studies have not been performed to prove this conclusively.

GeneDx
Classification: Likely pathogenic. Last evaluated: 2017-02-01. Review status: criteria provided, single submitter. Criteria: GeneDx Variant Classification (06012015). Collection method: clinical testing. Allele origin: germline. Affected: yes.
Comment: This insertion of one nucleotide in ATM is denoted c.1915_1916insT at the cDNA level and p.Asp639ValfsX2 (D639VfsX2) at the protein level. The normal sequence, with the base that is inserted in brackets, is AAAG[insT]ATAA. The insertion causes a frameshift which changes an Aspartic Acid to a Valine at codon 639, and creates a premature stop codon at position 2 of the new reading frame. Although this variant has not, to our knowledge, been reported in the literature, it is predicted to cause loss of normal protein function through either protein truncation or nonsense-mediated mRNA decay. Based on the currently available information, we consider this insertion to be a likely pathogenic variant.

Literature cited by the submitters: PubMed 23807571 (cited by Labcorp Genetics (formerly Invitae), Labcorp); PubMed 25614872 (cited by Labcorp Genetics (formerly Invitae), Labcorp).